The following is an entry in ClinVar:

NM_000138.5(FBN1):c.4276G>A (p.Gly1426Arg)

Genes: FBN1 (fibrillin 1; minus strand), LOC126862124 (CDK7 strongly-dependent group 2 enhancer GRCh37_chr15:48764566-48765765; plus strand). Cytogenetic location: 15q21.1.
Variant type: single nucleotide variant.
Coding change: c.4276G>A on transcript NM_000138.5 (MANE Select); coding-DNA position 4276, G replaced by A.
Protein change: p.Gly1426Arg; replaces glycine 1426 with arginine.
Molecular consequence: missense variant.
Genome position (GRCh38, 1-based): chr15:48,472,611, C>T on the plus strand (G>A on the coding strand, the complement: FBN1 is on the minus strand). VCF-style: chr15-48472611-C-T. GRCh37 (hg19) VCF-style: chr15-48764808-C-T.
Other names: short protein forms G1426R.
Identifiers: ClinVar variation 641887 (VCV000641887.9), dbSNP rs1597552464, ClinGen allele CA392317794.

ClinVar aggregate classification (germline): Uncertain significance (1 of 4 stars; one submission).

Conditions:
Familial thoracic aortic aneurysm and aortic dissection (TAAD). Also called: Thoracic aortic aneurysms and dissections. Identifiers: Orphanet 91387, MedGen C4707243, MONDO:0019625.
Marfan syndrome (MFS). Also called: FBN1-Related Marfan Syndrome; Marfan syndrome type 1; Marfan's syndrome; Marfan syndrome, classic; MARFAN SYNDROME, TYPE I. Identifiers: Orphanet 284963, Orphanet 558, MedGen C0024796, MONDO:0007947, OMIM 154700.

Allele frequency attached by ClinVar (database versions not stated): gnomAD exomes 0.00001.
gnomAD v4.1: 7 of 1,614,218 alleles (0.00043%); highest among the groups gnomAD compares: Non-Finnish European, 0.00059%; no homozygotes.

Submission:

Labcorp Genetics (formerly Invitae), Labcorp
Classification: Uncertain significance for Marfan syndrome; Familial thoracic aortic aneurysm and aortic dissection. Last evaluated: 2018-10-07. Review status: criteria provided, single submitter. Criteria: Invitae Variant Classification Sherloc (09022015). Collection method: clinical testing. Allele origin: germline.
Comment: Algorithms developed to predict the effect of missense changes on protein structure and function are either unavailable or do not agree on the potential impact of this missense change (SIFT: "Deleterious"; PolyPhen-2: "Possibly Damaging"; Align-GVGD: "Class C0"). In summary, the available evidence is currently insufficient to determine the role of this variant in disease. Therefore, it has been classified as a Variant of Uncertain Significance. This variant has not been reported in the literature in individuals with FBN1-related disease. This variant is not present in population databases (ExAC no frequency). This sequence change replaces glycine with arginine at codon 1426 of the FBN1 protein (p.Gly1426Arg). The glycine residue is highly conserved and there is a moderate physicochemical difference between glycine and arginine.